The following is an entry in ClinVar:

NM_002693.3(POLG):c.951_961dup (p.Lys321fs)

Gene: POLG (DNA polymerase gamma, catalytic subunit; minus strand). Cytogenetic location: 15q26.1.
Variant type: Duplication.
Coding change: c.951_961dup on transcript NM_002693.3 (MANE Select); coding-DNA positions 951 to 961, 11 bases duplicated (GGGCAAACACA).
Protein change: p.Lys321fs; shifts the reading frame from lysine 321.
Molecular consequence: frameshift variant.
Genome position (GRCh38, 1-based): chr15:89,329,005-89,329,015, TGTGTTTGCCC duplicated on the plus strand (GGGCAAACACA on the coding strand, the reverse complement: POLG is on the minus strand); duplicating any 11 consecutive bases within chr15:89,329,005-89,329,017 gives the same sequence; the c. name uses the placement nearest the transcript's 3' end. VCF-style (leftmost placement, unchanged base first): chr15-89329004-T-TTGTGTTTGCCC. GRCh37 (hg19) VCF-style: chr15-89872235-T-TTGTGTTTGCCC.
Other names: c.951_961dup, p.Lys321fs (NM_001126131.2); c.961_962insGGGCAAACACA (NM_002693.2); short protein forms K321fs.
Identifiers: ClinVar variation 694426 (VCV000694426.1), dbSNP rs1596359629, ClinGen allele CA915946106.

ClinVar aggregate classification (germline): Pathogenic (1 of 4 stars; one submission).

Conditions:
Progressive sclerosing poliodystrophy (MTDPS4A). Also called: Mitochondrial DNA depletion syndrome 4A (Alpers type); Alpers Syndrome; ALPERS DIFFUSE DEGENERATION OF CEREBRAL GRAY MATTER WITH HEPATIC CIRRHOSIS; Alpers-Huttenlocher Syndrome; NEURONAL DEGENERATION OF CHILDHOOD WITH LIVER DISEASE, PROGRESSIVE; ALPERS PROGRESSIVE INFANTILE POLIODYSTROPHY. Identifiers: Orphanet 726, MedGen C0205710, MONDO:0008758, OMIM 203700.

Submission:

Laboratory of Inherited Metabolic Diseases, Research centre for medical genetics
Classification: Pathogenic for Progressive sclerosing poliodystrophy. Last evaluated: 2019-07-17. Review status: criteria provided, single submitter. Criteria: ACMG Guidelines, 2015. Collection method: clinical testing. Allele origin: paternal. Inheritance: Autosomal recessive inheritance. Affected: yes.
Comment: found in compound heterozygous with c.2310C>A (p.Phe770Leu)